The following is an entry in ClinVar:

NM_005546.4(ITK):c.581G>A (p.Arg194His)

Gene: ITK (IL2 inducible T cell kinase; plus strand). Cytogenetic location: 5q33.3.
Variant type: single nucleotide variant.
Coding change: c.581G>A on transcript NM_005546.4 (MANE Select); coding-DNA position 581, G replaced by A.
Protein change: p.Arg194His; replaces arginine 194 with histidine.
Molecular consequence: missense variant.
Genome position (GRCh38, 1-based): chr5:157,222,948, G>A. VCF-style: chr5-157222948-G-A. GRCh37 (hg19) VCF-style: chr5-156649958-G-A.
Other names: short protein forms R194H.
Identifiers: ClinVar variation 836277 (VCV000836277.8), dbSNP rs755761978, ClinGen allele CA3532813.

ClinVar aggregate classification (germline): Uncertain significance (1 of 4 stars; one submission).

Conditions:
Lymphoproliferative syndrome 1 (LPFS1). Identifiers: Orphanet 238505, Orphanet 538963, MedGen C3552634, MONDO:0013081, OMIM 613011.

Allele frequency attached by ClinVar (database versions not stated): gnomAD exomes 0.00002; ExAC 0.00003; TOPMed 0.00004.
gnomAD v4.1: 44 of 1,613,958 alleles (0.0027%); highest among the groups gnomAD compares: East Asian, 0.022%; no homozygotes.

Submission:

Labcorp Genetics (formerly Invitae), Labcorp
Classification: Uncertain significance for Lymphoproliferative syndrome 1. Last evaluated: 2025-04-02. Review status: criteria provided, single submitter. Criteria: Invitae Variant Classification Sherloc (09022015). Collection method: clinical testing. Allele origin: germline.
Comment: This sequence change replaces arginine, which is basic and polar, with histidine, which is basic and polar, at codon 194 of the ITK protein (p.Arg194His). This variant is present in population databases (rs755761978, gnomAD 0.02%). This variant has not been reported in the literature in individuals affected with ITK-related conditions. ClinVar contains an entry for this variant (Variation ID: 836277). Invitae Evidence Modeling of protein sequence and biophysical properties (such as structural, functional, and spatial information, amino acid conservation, physicochemical variation, residue mobility, and thermodynamic stability) has been performed for this missense variant. However, the output from this modeling did not meet the statistical confidence thresholds required to predict the impact of this variant on ITK protein function. In summary, the available evidence is currently insufficient to determine the role of this variant in disease. Therefore, it has been classified as a Variant of Uncertain Significance.